The following is an entry in ClinVar:

ClinVar aggregate classification (germline): Uncertain significance (1 of 4 stars; one submission).

gnomAD v4.1: 11 of 1,614,164 alleles (0.00068%); highest among the groups gnomAD compares: Non-Finnish European, 0.00085%; no homozygotes.

Submission:

Labcorp Genetics (formerly Invitae), Labcorp
Classification: Uncertain significance. Last evaluated: 2025-04-14. Review status: criteria provided, single submitter. Criteria: Invitae Variant Classification Sherloc (09022015). Collection method: clinical testing. Allele origin: germline.
Comment: This sequence change replaces glycine, which is neutral and non-polar, with arginine, which is basic and polar, at codon 74 of the MCM3AP protein (p.Gly74Arg). This variant is present in population databases (rs757521193, gnomAD 0.0009%). This variant has not been reported in the literature in individuals affected with MCM3AP-related conditions. An algorithm developed to predict the effect of missense changes on protein structure and function (PolyPhen-2) suggests that this variant is likely to be disruptive. In summary, the available evidence is currently insufficient to determine the role of this variant in disease. Therefore, it has been classified as a Variant of Uncertain Significance.

NM_003906.5(MCM3AP):c.220G>A (p.Gly74Arg)

Gene: MCM3AP (minichromosome maintenance complex component 3 associated protein; minus strand). Cytogenetic location: 21q22.3.
Variant type: single nucleotide variant.
Coding change: c.220G>A on transcript NM_003906.5 (MANE Select); coding-DNA position 220, G replaced by A.
Protein change: p.Gly74Arg; replaces glycine 74 with arginine.
Molecular consequence: missense variant.
Genome position (GRCh38, 1-based): chr21:46,285,067, C>T on the plus strand (G>A on the coding strand, the complement: MCM3AP is on the minus strand). VCF-style: chr21-46285067-C-T. GRCh37 (hg19) VCF-style: chr21-47704981-C-T.
Other names: short protein forms G74R.
Identifiers: ClinVar variation 4694619 (VCV004694619.1).